The following is an entry in ClinVar:

NM_000138.5(FBN1):c.2815A>G (p.Ser939Gly)

Gene: FBN1 (fibrillin 1; minus strand). Cytogenetic location: 15q21.1.
Variant type: single nucleotide variant.
Coding change: c.2815A>G on transcript NM_000138.5 (MANE Select); coding-DNA position 2815, A replaced by G.
Protein change: p.Ser939Gly; replaces serine 939 with glycine.
Molecular consequence: missense variant.
Genome position (GRCh38, 1-based): chr15:48,492,500, T>C on the plus strand (A>G on the coding strand, the complement: FBN1 is on the minus strand). VCF-style: chr15-48492500-T-C. GRCh37 (hg19) VCF-style: chr15-48784697-T-C.
Other names: c.2815A>G, p.Ser939Gly (NM_001406716.1); short protein forms S939G.
Identifiers: ClinVar variation 3386831 (VCV003386831.2).

ClinVar aggregate classification (germline): Uncertain significance. Review status: criteria provided, multiple submitters, no conflicts (2 of 4 stars). 2 submissions from 2 submitters: Uncertain significance (2). Last evaluated 2026-06-17.

Conditions:
Marfan syndrome (MFS). Also called: MARFAN SYNDROME, TYPE I; Marfan syndrome type 1; Marfan's syndrome; FBN1-Related Marfan Syndrome; Marfan syndrome, classic. Identifiers: Orphanet 284963, Orphanet 558, MedGen C0024796, MONDO:0007947, OMIM 154700.

gnomAD v4.1: 2 of 1,613,628 alleles (0.00012%); highest among the groups gnomAD compares: Non-Finnish European, 0.00017%; no homozygotes.

Submissions (2):

Women's Health and Genetics/Laboratory Corporation of America, LabCorp
Classification: Uncertain significance. Last evaluated: 2026-06-17. Review status: criteria provided, single submitter. Criteria: LabCorp Variant Classification Summary - May 2015. Collection method: clinical testing. Allele origin: germline.
Comment: Variant summary: FBN1 c.2815A>G (p.Ser939Gly) results in a non-conservative amino acid change in the encoded protein sequence. Algorithms developed to predict the effect of missense changes on protein structure and function are either unavailable or do not agree on the potential impact of this missense change. The variant was absent in 251468 control chromosomes. The available data on variant occurrences in the general population are insufficient to allow any conclusion about variant significance. To our knowledge, no occurrence of c.2815A>G in individuals affected with FBN1-related conditions and no experimental evidence demonstrating its impact on protein function have been reported. ClinVar contains an entry for this variant (Variation ID: 3386831). Based on the evidence outlined above, the variant was classified as uncertain significance.

All of Us Research Program, National Institutes of Health
Classification: Uncertain significance for Marfan syndrome. Last evaluated: 2024-08-06. Review status: criteria provided, single submitter. Criteria: ACMG Guidelines, 2015. Collection method: clinical testing. Allele origin: germline. Inheritance: Autosomal dominant inheritance. Observed: 1 variant allele, 1 heterozygote.
Comment: This study involves interpretation of variants in research participants for the purpose of population health screening. Participant phenotype was not available at the time of variant classification. Additional details can be found in publication PMID: 35346344, PMCID: PMC8962531